The following is an entry in ClinVar:

ClinVar aggregate classification (germline): Uncertain significance (1 of 4 stars; one submission).

Conditions:
Muscle AMP deaminase deficiency (MMDD). Also called: Myoadenylate deaminase deficiency, myopathy due to; Adenosine monophosphate deaminase 1 deficiency; AMP deaminase 1 deficiency; Adenosine Monophosphate Deaminase 1; AMPD1 DEFICIENCY; ADENOSINE MONOPHOSPHATE DEAMINASE-1 DEFICIENCY, MYOPATHY DUE TO. Identifiers: Orphanet 45, MedGen C3714933, MONDO:0014220, OMIM 615511.

Allele frequency attached by ClinVar (database versions not stated): gnomAD exomes below 0.00001; TOPMed 0.00002.
gnomAD v4.1: 2 of 1,613,852 alleles (0.00012%); highest among the groups gnomAD compares: Non-Finnish European, 0.00017%; no homozygotes.

Submission:

Labcorp Genetics (formerly Invitae), Labcorp
Classification: Uncertain significance for Muscle AMP deaminase deficiency. Last evaluated: 2022-06-29. Review status: criteria provided, single submitter. Criteria: Invitae Variant Classification Sherloc (09022015). Collection method: clinical testing. Allele origin: germline.
Comment: This variant has not been reported in the literature in individuals affected with AMPD1-related conditions. In summary, the available evidence is currently insufficient to determine the role of this variant in disease. Therefore, it has been classified as a Variant of Uncertain Significance. Algorithms developed to predict the effect of missense changes on protein structure and function output the following: SIFT: "Tolerated"; PolyPhen-2: "Benign"; Align-GVGD: "Class C0". The serine amino acid residue is found in multiple mammalian species, which suggests that this missense change does not adversely affect protein function. This variant is present in population databases (no rsID available, gnomAD 0.0009%). This sequence change replaces proline, which is neutral and non-polar, with serine, which is neutral and polar, at codon 35 of the AMPD1 protein (p.Pro35Ser).

NM_000036.3(AMPD1):c.4C>T (p.Pro2Ser)

Gene: AMPD1 (adenosine monophosphate deaminase 1; minus strand). Cytogenetic location: 1p13.2.
Variant type: single nucleotide variant.
Coding change: c.4C>T on transcript NM_000036.3 (MANE Select); coding-DNA position 4, C replaced by T.
Protein change: p.Pro2Ser; replaces proline 2 with serine.
Molecular consequence: missense variant.
Genome position (GRCh38, 1-based): chr1:114,695,468, G>A on the plus strand (C>T on the coding strand, the complement: AMPD1 is on the minus strand). VCF-style: chr1-114695468-G-A. GRCh37 (hg19) VCF-style: chr1-115238089-G-A.
Other names: c.4C>T, p.Pro2Ser (NM_001172626.2); short protein forms P2S.
Identifiers: ClinVar variation 2149708 (VCV002149708.2), dbSNP rs933250155, ClinGen allele CA29033648.
Genomic context (GRCh38, chr1:114,695,468, plus strand): 5'-AAACAACAACAACTGAGCTCTCCAAACACTTTGTACACCTACCTGGGAGTTTGAACAGAG[G>A]CATTGTTGCTGAAATCCTTGATTCTAGGATAGCACAGTAGAAAAGAAGAGAGAGGAGACT-3'
Protein context (NP_000027.3, residues 1-12): M[Pro2Ser]LFKLPAEEKQ